The following is an entry in ClinVar:

ClinVar aggregate classification (germline): Conflicting classifications of pathogenicity. Review status: criteria provided, conflicting classifications (1 of 4 stars). 2 submissions from 2 submitters: Uncertain significance (1); Likely benign (1). Last evaluated 2025-05-18.

Allele frequency attached by ClinVar (database versions not stated): gnomAD 0.00001; TOPMed 0.00002.
gnomAD v4.1: 25 of 1,613,926 alleles (0.0015%); highest among the groups gnomAD compares: Non-Finnish European, 0.0017%; no homozygotes.

Submissions (2):

Labcorp Genetics (formerly Invitae), Labcorp
Classification: Uncertain significance. Last evaluated: 2025-05-18. Review status: criteria provided, single submitter. Criteria: Invitae Variant Classification Sherloc (09022015). Collection method: clinical testing. Allele origin: germline.
Comment: This sequence change replaces aspartic acid, which is acidic and polar, with asparagine, which is neutral and polar, at codon 4842 of the HMCN1 protein (p.Asp4842Asn). This variant is present in population databases (no rsID available, gnomAD 0.003%). This variant has not been reported in the literature in individuals affected with HMCN1-related conditions. ClinVar contains an entry for this variant (Variation ID: 2416870). An algorithm developed to predict the effect of missense changes on protein structure and function outputs the following: PolyPhen-2: "Benign". The asparagine amino acid residue is found in multiple mammalian species, which suggests that this missense change does not adversely affect protein function. In summary, the available evidence is currently insufficient to determine the role of this variant in disease. Therefore, it has been classified as a Variant of Uncertain Significance.

Ambry Genetics
Classification: Likely benign. Last evaluated: 2025-03-05. Review status: criteria provided, single submitter. Criteria: Ambry Variant Classification Scheme 2023. Collection method: clinical testing. Allele origin: germline.

NM_031935.3(HMCN1):c.14524G>A (p.Asp4842Asn)

Gene: HMCN1 (hemicentin 1; plus strand). Cytogenetic location: 1q31.1.
Variant type: single nucleotide variant.
Coding change: c.14524G>A on transcript NM_031935.3 (MANE Select); coding-DNA position 14524, G replaced by A.
Protein change: p.Asp4842Asn; replaces aspartic acid 4842 with asparagine.
Molecular consequence: missense variant.
Genome position (GRCh38, 1-based): chr1:186,145,839, G>A. VCF-style: chr1-186145839-G-A. GRCh37 (hg19) VCF-style: chr1-186114971-G-A.
Other names: c.14524G>A (NM_031935.2); short protein forms D4842N.
Identifiers: ClinVar variation 2416870 (VCV002416870.7), dbSNP rs1319739012, ClinGen allele CA343917647.